The following is an entry in ClinVar:

ClinVar aggregate classification (germline): Pathogenic. Review status: criteria provided, multiple submitters, no conflicts (2 of 4 stars). 3 submissions from 3 submitters: Pathogenic (3). Last evaluated 2023-04-11.

Conditions:
Severe intellectual disability-poor language-strabismus-grimacing face-long fingers syndrome (GAND). Also called: GAND SYNDROME. Identifiers: Orphanet 363686, MedGen C3554448, MONDO:0014034, OMIM 615074.

Submissions (3):

Genome-Nilou Lab
Classification: Pathogenic for Severe intellectual disability-poor language-strabismus-grimacing face-long fingers syndrome. Last evaluated: 2023-04-11. Review status: criteria provided, single submitter. Criteria: ACMG Guidelines, 2015. Collection method: clinical testing. Allele origin: germline. Affected: no.

GeneDx
Classification: Pathogenic. Last evaluated: 2022-07-21. Review status: criteria provided, single submitter. Criteria: GeneDx Variant Classification Process June 2021. Collection method: clinical testing. Allele origin: germline. Affected: yes.
Comment: Nonsense variant predicted to result in protein truncation or nonsense mediated decay in a gene for which loss of function is a known mechanism of disease; Not observed at significant frequency in large population cohorts (gnomAD); This variant is associated with the following publications: (PMID: 31949314, 32688057)

Genetic Services Laboratory, University of Chicago
Classification: Pathogenic for Mental retardation, autosomal dominant 18. Last evaluated: 2016-07-08. Review status: criteria provided, single submitter. Criteria: ACMG Guidelines, 2015. Collection method: clinical testing. Allele origin: germline. Affected: yes.

NM_020699.4(GATAD2B):c.1429C>T (p.Gln477Ter)

Gene: GATAD2B (GATA zinc finger domain containing 2B; minus strand). Cytogenetic location: 1q21.3.
Variant type: single nucleotide variant.
Coding change: c.1429C>T on transcript NM_020699.4 (MANE Select); coding-DNA position 1429, C replaced by T.
Protein change: p.Gln477Ter; replaces glutamine 477 with a stop codon.
Molecular consequence: nonsense.
Genome position (GRCh38, 1-based): chr1:153,812,123, G>A on the plus strand (C>T on the coding strand, the complement: GATAD2B is on the minus strand). VCF-style: chr1-153812123-G-A. GRCh37 (hg19) VCF-style: chr1-153784599-G-A.
Other names: short protein forms Q477*.
Identifiers: ClinVar variation 435288 (VCV000435288.8), dbSNP rs1553187443, ClinGen allele CA342581394.
Genomic context (GRCh38, chr1:153,812,123, plus strand): 5'-TGACACTGGACACAGCTGGAGCCGTAGTGGGGGAGAGGGCTGCCTGCTGCTGTAATCGCT[G>A]TTCAATTTCCTGTTGGGAGTCATCACATCAGGTGATTGAGCAGGACAGCACCCAATACCC-3'